The following is an entry in ClinVar:

NM_024537.4(CARS2):c.98C>T (p.Ala33Val)

Genes: CARS2 (cysteinyl-tRNA synthetase 2, mitochondrial; minus strand), LOC130010127 (ATAC-STARR-seq lymphoblastoid silent region 5509; plus strand). Cytogenetic location: 13q34.
Variant type: single nucleotide variant.
Coding change: c.98C>T on transcript NM_024537.4 (MANE Select); coding-DNA position 98, C replaced by T.
Protein change: p.Ala33Val; replaces alanine 33 with valine.
Molecular consequence: missense variant. On other transcripts: non-coding transcript variant (1), intron variant (1).
Genome position (GRCh38, 1-based): chr13:110,705,996, G>A on the plus strand (C>T on the coding strand, the complement: CARS2 is on the minus strand). VCF-style: chr13-110705996-G-A. GRCh37 (hg19) VCF-style: chr13-111358343-G-A.
Other names: c.98C>T, p.Ala33Val (NM_001352253.3); c.-776+375C>T (NM_001352252.2); short protein forms A33V.
Identifiers: ClinVar variation 1473482 (VCV001473482.8), dbSNP rs1566366752, ClinGen allele CA388743322.
Genomic context (GRCh38, chr13:110,705,996, plus strand): 5'-TGCACACCCGTCTCCCGGCCCGTGGGCTGCAGCCAGGCCCGCCCGCGCCCCCCGCTCGCC[G>A]CCCGGCCCGCAGGCCAGTGCCACCCAGCCCGCCCAAGGCCCAGCGCGGCCTGGAGCAGCG-3'
Protein context (NP_078813.1, residues 23-43): RAGWHWPAGR[Ala33Val]ASGGRGRAWL

ClinVar aggregate classification (germline): Uncertain significance (1 of 4 stars; one submission).

Conditions:
Combined oxidative phosphorylation defect type 27. Also called: Combined oxidative phosphorylation deficiency 27. Identifiers: Orphanet 477774, MedGen C5567608, MONDO:0014728, OMIM 616672.

gnomAD v4.1: 1 of 1,498,514 alleles (0.000067%); highest among the groups gnomAD compares: South Asian, 0.0013%; no homozygotes.

Submission:

Labcorp Genetics (formerly Invitae), Labcorp
Classification: Uncertain significance for Combined oxidative phosphorylation defect type 27. Last evaluated: 2022-08-06. Review status: criteria provided, single submitter. Criteria: Invitae Variant Classification Sherloc (09022015). Collection method: clinical testing. Allele origin: germline.
Comment: In summary, the available evidence is currently insufficient to determine the role of this variant in disease. Therefore, it has been classified as a Variant of Uncertain Significance. Algorithms developed to predict the effect of missense changes on protein structure and function (SIFT, PolyPhen-2, Align-GVGD) all suggest that this variant is likely to be tolerated. ClinVar contains an entry for this variant (Variation ID: 1473482). This variant has not been reported in the literature in individuals affected with CARS2-related conditions. This variant is not present in population databases (gnomAD no frequency). This sequence change replaces alanine, which is neutral and non-polar, with valine, which is neutral and non-polar, at codon 33 of the CARS2 protein (p.Ala33Val).